The following is an entry in ClinVar:

NM_000834.5(GRIN2B):c.3757G>A (p.Asp1253Asn)

Gene: GRIN2B (glutamate ionotropic receptor NMDA type subunit 2B; minus strand). Cytogenetic location: 12p13.1.
Variant type: single nucleotide variant.
Coding change: c.3757G>A on transcript NM_000834.5 (MANE Select); coding-DNA position 3757, G replaced by A.
Protein change: p.Asp1253Asn; replaces aspartic acid 1253 with asparagine.
Molecular consequence: missense variant.
Genome position (GRCh38, 1-based): chr12:13,563,481, C>T on the plus strand (G>A on the coding strand, the complement: GRIN2B is on the minus strand). VCF-style: chr12-13563481-C-T. GRCh37 (hg19) VCF-style: chr12-13716415-C-T.
Other names: c.3757G>A, p.Asp1253Asn (NM_001413992.1); short protein forms D1253N.
Identifiers: ClinVar variation 2580973 (VCV002580973.1), dbSNP rs2497467288, ClinGen allele CA383987563.

ClinVar aggregate classification (germline): Uncertain significance (1 of 4 stars; one submission).

Conditions:
Intellectual developmental disorder, autosomal dominant 6, with or without seizures. Also called: GRIN2B-related developmental delay, intellectual disability and autism spectrum disorder; Intellectual disability, autosomal dominant 6. Identifiers: Orphanet 589547, MedGen C3151411, MONDO:0013509, OMIM 613970.

Allele frequency attached by ClinVar (database versions not stated): gnomAD exomes below 0.00001.
gnomAD v4.1: 1 of 1,614,186 alleles (0.000062%); highest among the groups gnomAD compares: Non-Finnish European, 0.000085%; no homozygotes.

Submission:

Dr. med. U. Finckh, Human Genetics, Eurofins MVZ
Classification: Uncertain significance for Intellectual developmental disorder, autosomal dominant 6, with or without seizures. Last evaluated: 2020-06-29. Review status: criteria provided, single submitter. Criteria: ACMG Guidelines, 2015. Collection method: clinical testing. Allele origin: unknown. Observed: 1 heterozygote.